The following is an entry in ClinVar:

NM_001256789.3(CACNA1F):c.3269A>G (p.Glu1090Gly)

Gene: CACNA1F (calcium voltage-gated channel subunit alpha1 F; minus strand). Cytogenetic location: Xp11.23.
Variant type: single nucleotide variant.
Coding change: c.3269A>G on transcript NM_001256789.3 (MANE Select); coding-DNA position 3269, A replaced by G.
Protein change: p.Glu1090Gly; replaces glutamic acid 1090 with glycine.
Molecular consequence: missense variant.
Genome position (GRCh38, 1-based): chrX:49,215,511, T>C on the plus strand (A>G on the coding strand, the complement: CACNA1F is on the minus strand). VCF-style: chrX-49215511-T-C. GRCh37 (hg19) VCF-style: chrX-49071971-T-C.
Other names: c.3107A>G, p.Glu1036Gly (NM_001256790.3); c.3302A>G, p.Glu1101Gly (NM_005183.4); short protein forms E1036G, E1090G, E1101G.
Identifiers: ClinVar variation 1020785 (VCV001020785.8), dbSNP rs782663402, ClinGen allele CA10410481.

ClinVar aggregate classification (germline): Uncertain significance (1 of 4 stars; one submission).

Allele frequency attached by ClinVar (database versions not stated): ExAC 0.00001.

Submission:

Labcorp Genetics (formerly Invitae), Labcorp
Classification: Uncertain significance. Last evaluated: 2020-07-30. Review status: criteria provided, single submitter. Criteria: Invitae Variant Classification Sherloc (09022015). Collection method: clinical testing. Allele origin: germline.
Comment: This variant has not been reported in the literature in individuals with CACNA1F-related conditions. In summary, the available evidence is currently insufficient to determine the role of this variant in disease. Therefore, it has been classified as a Variant of Uncertain Significance. Algorithms developed to predict the effect of missense changes on protein structure and function (SIFT, PolyPhen-2, Align-GVGD) all suggest that this variant is likely to be tolerated, but these predictions have not been confirmed by published functional studies and their clinical significance is uncertain. This variant is present in population databases (rs782663402, ExAC 0.01%). This sequence change replaces glutamic acid with glycine at codon 1101 of the CACNA1F protein (p.Glu1101Gly). The glutamic acid residue is moderately conserved and there is a moderate physicochemical difference between glutamic acid and glycine.